The following is an entry in ClinVar:

ClinVar aggregate classification (germline): Pathogenic (1 of 4 stars; one submission).

Submission:

Labcorp Genetics (formerly Invitae), Labcorp
Classification: Pathogenic. Last evaluated: 2024-10-27. Review status: criteria provided, single submitter. Criteria: Invitae Variant Classification Sherloc (09022015). Collection method: clinical testing. Allele origin: germline.
Comment: This sequence change creates a premature translational stop signal (p.Arg371*) in the PLK4 gene. It is expected to result in an absent or disrupted protein product. Loss-of-function variants in PLK4 are known to be pathogenic (PMID: 25320347, 30842647). This variant is not present in population databases (gnomAD no frequency). This premature translational stop signal has been observed in individual(s) with PLK4-related conditions (PMID: 30842647). For these reasons, this variant has been classified as Pathogenic.

Literature cited by the submitters: PubMed 25320347; PubMed 30842647.

NM_014264.5(PLK4):c.1111C>T (p.Arg371Ter)

Gene: PLK4 (polo like kinase 4; plus strand). Cytogenetic location: 4q28.1.
Variant type: single nucleotide variant.
Coding change: c.1111C>T on transcript NM_014264.5 (MANE Select); coding-DNA position 1111, C replaced by T.
Protein change: p.Arg371Ter; replaces arginine 371 with a stop codon.
Molecular consequence: nonsense.
Genome position (GRCh38, 1-based): chr4:127,886,481, C>T. VCF-style: chr4-127886481-C-T. GRCh37 (hg19) VCF-style: chr4-128807636-C-T.
Other names: c.1015C>T, p.Arg339Ter (NM_001190799.2); c.988C>T, p.Arg330Ter (NM_001190801.2); short protein forms R330*, R339*, R371*.
Identifiers: ClinVar variation 3609134 (VCV003609134.2).